The following is an entry in ClinVar:

NM_024642.5(GALNT12):c.780C>T (p.Ile260=)

Gene: GALNT12 (polypeptide N-acetylgalactosaminyltransferase 12; plus strand). Cytogenetic location: 9q22.33.
Variant type: single nucleotide variant.
Coding change: c.780C>T on transcript NM_024642.5 (MANE Select); coding-DNA position 780, C replaced by T.
Protein change: p.Ile260=; no amino-acid change (isoleucine 260 retained).
Molecular consequence: synonymous variant.
Genome position (GRCh38, 1-based): chr9:98,831,820, C>T. VCF-style: chr9-98831820-C-T. GRCh37 (hg19) VCF-style: chr9-101594102-C-T.
Identifiers: ClinVar variation 1940691 (VCV001940691.8), dbSNP rs777942439, ClinGen allele CA5154055.
Genomic context (GRCh38, chr9:98,831,820, plus strand): 5'-GGGTGCTTTCAGGATCCATGAAGAGGAGTCGGCAGTGGTGTGCCCGGTGATTGATGTGAT[C>T]GACTGGAACACCTTCGAATACCTGGGGAACTCCGGGGAGCCCCAGATCGGCGGTTTCGAC-3'
Protein context (NP_078918.3, residues 250-270): SAVVCPVIDV[Ile260=]DWNTFEYLGN

ClinVar aggregate classification (germline): Benign/Likely benign. Review status: criteria provided, multiple submitters, no conflicts (2 of 4 stars). 3 submissions from 3 submitters: Benign (1); Likely benign (2). Last evaluated 2026-04-24.

Conditions:
Colorectal cancer, susceptibility to, 1. Also called: COLORECTAL ADENOMA AND CANCER, SUSCEPTIBILITY TO; COLORECTAL CANCER, SUSCEPTIBILITY TO, ON CHROMOSOME 9. Identifiers: MedGen C1837315, MONDO:0012132, OMIM 608812.

Allele frequency attached by ClinVar (database versions not stated): ExAC 0.00001.

Submissions (3):

Myriad Genetics, Inc.
Classification: Benign for Colorectal cancer, susceptibility to, 1. Last evaluated: 2026-04-24. Review status: criteria provided, single submitter. Criteria: Myriad Autosomal Dominant, Autosomal Recessive and X-Linked Classification Criteria (2023). Collection method: clinical testing. Allele origin: unknown.
Comment: This variant is considered benign. This variant is a silent/synonymous amino acid change and it is not expected to impact splicing.

Labcorp Genetics (formerly Invitae), Labcorp
Classification: Likely benign. Last evaluated: 2024-06-03. Review status: criteria provided, single submitter. Criteria: Invitae Variant Classification Sherloc (09022015). Collection method: clinical testing. Allele origin: germline.

Ambry Genetics
Classification: Likely benign. Last evaluated: 2022-11-27. Review status: criteria provided, single submitter. Criteria: Ambry Variant Classification Scheme 2023. Collection method: clinical testing. Allele origin: germline.